The following is an entry in ClinVar:

NM_000230.3(LEP):c.171C>A (p.Val57=)

Gene: LEP (leptin; plus strand). Cytogenetic location: 7q32.1.
Variant type: single nucleotide variant.
Coding change: c.171C>A on transcript NM_000230.3 (MANE Select); coding-DNA position 171, C replaced by A.
Protein change: p.Val57=; no amino-acid change (valine 57 retained).
Molecular consequence: synonymous variant.
Genome position (GRCh38, 1-based): chr7:128,254,430, C>A. VCF-style: chr7-128254430-C-A. GRCh37 (hg19) VCF-style: chr7-127894483-C-A.
Identifiers: ClinVar variation 3348174 (VCV003348174.1).

ClinVar aggregate classification (germline): Likely benign (0 of 4 stars; one submission).

Conditions:
LEP-related disorder. Also called: LEP-related condition.

Submission:

PreventionGenetics, part of Exact Sciences
Classification: Likely benign for LEP-related condition. Last evaluated: 2024-04-09. Review status: no assertion criteria provided. Collection method: clinical testing. Allele origin: germline.
Comment: This variant is classified as likely benign based on ACMG/AMP sequence variant interpretation guidelines (Richards et al. 2015 PMID: 25741868, with internal and published modifications).